The following is an entry in ClinVar:

NM_006904.7(PRKDC):c.8933A>G (p.Lys2978Arg)

Gene: PRKDC (protein kinase, DNA-activated, catalytic subunit; minus strand). Cytogenetic location: 8q11.21.
Variant type: single nucleotide variant.
Coding change: c.8933A>G on transcript NM_006904.7 (MANE Select); coding-DNA position 8933, A replaced by G.
Protein change: p.Lys2978Arg; replaces lysine 2978 with arginine.
Molecular consequence: missense variant.
Genome position (GRCh38, 1-based): chr8:47,821,782, T>C on the plus strand (A>G on the coding strand, the complement: PRKDC is on the minus strand). VCF-style: chr8-47821782-T-C. GRCh37 (hg19) VCF-style: chr8-48734343-T-C.
Other names: c.8933A>G, p.Lys2978Arg (NM_001081640.2); short protein forms K2978R.
Identifiers: ClinVar variation 1765165 (VCV001765165.2), dbSNP rs2551865601, ClinGen allele CA371141172.
Genomic context (GRCh38, chr8:47,821,782, plus strand): 5'-GATGCAAGTTCCCAAAAATCCTTCTCGGCTTCTGTGGGCTCACCATCTACCCAGTCTTGT[T>C]TATTGAGAGCCTAGTGGAGAAAAGTTAATAAAATTATTTTACAAAGTTGGAAAGAATACC-3'
Protein context (NP_008835.5, residues 2968-2988): AAKQYDEALN[Lys2978Arg]QDWVDGEPTE

ClinVar aggregate classification (germline): Uncertain significance (1 of 4 stars; one submission).

Submission:

Ambry Genetics
Classification: Uncertain significance. Last evaluated: 2022-04-09. Review status: criteria provided, single submitter. Criteria: Ambry Variant Classification Scheme 2023. Collection method: clinical testing. Allele origin: germline.
Comment: The p.K2978R variant (also known as c.8933A>G), located in coding exon 65 of the PRKDC gene, results from an A to G substitution at nucleotide position 8933. The lysine at codon 2978 is replaced by arginine, an amino acid with highly similar properties. This amino acid position is conserved. Since supporting evidence is limited at this time, the clinical significance of this alteration remains unclear.